The following is an entry in ClinVar:

NM_001272046.2(VWA2):c.1486C>T (p.His496Tyr)

Genes: AFAP1L2 (actin filament associated protein 1 like 2; minus strand), VWA2 (von Willebrand factor A domain containing 2; plus strand). Cytogenetic location: 10q25.3.
Variant type: single nucleotide variant.
Coding change: c.1486C>T on transcript NM_001272046.2 (MANE Select); coding-DNA position 1486, C replaced by T.
Protein change: p.His496Tyr; replaces histidine 496 with tyrosine.
Molecular consequence: missense variant.
Genome position (GRCh38, 1-based): chr10:114,286,427, C>T. VCF-style: chr10-114286427-C-T. GRCh37 (hg19) VCF-style: chr10-116046186-C-T.
Other names: NC_000010.10:g.116046186C>T; c.1486C>T, p.His496Tyr (NM_001320804.1); short protein forms H496Y.
Identifiers: ClinVar variation 785330 (VCV000785330.7), dbSNP rs62640959, ClinGen allele CA5700705.

ClinVar aggregate classification (germline): Benign. Review status: criteria provided, multiple submitters, no conflicts (2 of 4 stars). 3 submissions from 3 submitters: Benign (2). 1 of the submissions does not count toward it. Last evaluated 2018-12-20.

Conditions:
VWA2-related disorder. Also called: VWA2-related condition.

Allele frequency attached by ClinVar (database versions not stated): ExAC 0.00454; gnomAD 0.01572 and 0.01451; gnomAD exomes 0.00145 and 0.00367; TOPMed 0.01637; ESP Exome Variant Server 0.01853; 1000 Genomes Project 0.01298; 1000 Genomes Project 30x 0.01437.
gnomAD v4.1: 4,397 of 1,613,604 alleles (0.27%); highest among the groups gnomAD compares: African/African-American, 5.1%; 100 homozygotes.

Submissions (8):

Labcorp Genetics (formerly Invitae), Labcorp
Classification: Benign. Last evaluated: 2018-12-20. Review status: criteria provided, single submitter. Criteria: Invitae Variant Classification Sherloc (09022015). Collection method: clinical testing. Allele origin: germline.

Breakthrough Genomics
Classification: Benign. Review status: criteria provided, single submitter. Criteria: ACMG Guidelines, 2015. Collection method: not provided. Allele origin: germline. Inheritance: Unknown mechanism. Affected: yes.

PreventionGenetics, part of Exact Sciences
Classification: Benign for VWA2-related condition. Last evaluated: 2019-02-21. Review status: no assertion criteria provided. Collection method: clinical testing. Allele origin: germline. Not counted in ClinVar's aggregate classification.
Comment: This variant is classified as benign based on ACMG/AMP sequence variant interpretation guidelines (Richards et al. 2015 PMID: 25741868, with internal and published modifications).

Dr. Peter K. Rogan Lab, Western University
No classification provided (evidence only). Condition: Clear cell carcinoma of kidney. Review status: no classification provided. Collection method: in vitro. Allele origin: not applicable. Functional consequence: retained intron. Not counted in ClinVar's aggregate classification.

Dr. Peter K. Rogan Lab, Western University
No classification provided (evidence only). Condition: Clear cell carcinoma of kidney. Review status: no classification provided. Collection method: in vitro. Allele origin: not applicable. Functional consequence: retained intron. Not counted in ClinVar's aggregate classification.

Dr. Peter K. Rogan Lab, Western University
No classification provided (evidence only). Condition: Lung cancer. Review status: no classification provided. Collection method: in vitro. Allele origin: not applicable. Functional consequence: retained intron. Not counted in ClinVar's aggregate classification.

Dr. Peter K. Rogan Lab, Western University
No classification provided (evidence only). Condition: Uterine corpus endometrial carcinoma. Review status: no classification provided. Collection method: in vitro. Allele origin: not applicable. Functional consequence: retained intron. Not counted in ClinVar's aggregate classification.

Dr. Peter K. Rogan Lab, Western University
No classification provided (evidence only). Condition: Malignant tumor of esophagus. Review status: no classification provided. Collection method: in vitro. Allele origin: not applicable. Functional consequence: skipped exon, retained intron. Not counted in ClinVar's aggregate classification.